The following is an entry in ClinVar:

ClinVar aggregate classification (germline): Uncertain significance (1 of 4 stars; one submission).

Conditions:
GDF1-related disorder. Also called: GDF1-related condition.

gnomAD v4.1: 4 of 1,473,326 alleles (0.00027%); highest among the groups gnomAD compares: East Asian, 0.0087%; no homozygotes.

Submission:

PreventionGenetics, part of Exact Sciences
Classification: Uncertain significance for GDF1-related condition. Last evaluated: 2026-06-22. Review status: criteria provided, single submitter. Criteria: ACMG Guidelines, 2015. Collection method: clinical testing. Allele origin: germline.
Comment: The GDF1 c.449G>T variant is predicted to result in the amino acid substitution p.Arg150Leu. To our knowledge, this variant has not been reported in the literature or in a large population database (gnomAD), indicating this variant is rare. At this time, the clinical significance of this variant is uncertain due to the absence of conclusive functional and genetic evidence.

NM_001492.6(GDF1):c.449G>T (p.Arg150Leu)

Genes: CERS1 (ceramide synthase 1; minus strand), GDF1 (growth differentiation factor 1; minus strand). Cytogenetic location: 19p13.11.
Variant type: single nucleotide variant.
Coding change: c.449G>T on transcript NM_001492.6 (MANE Select); coding-DNA position 449, G replaced by T.
Protein change: p.Arg150Leu; replaces arginine 150 with leucine.
Molecular consequence: missense variant. On other transcripts: 3 prime UTR variant (2).
Genome position (GRCh38, 1-based): chr19:18,869,267, C>A on the plus strand (G>T on the coding strand, the complement: GDF1 is on the minus strand). VCF-style: chr19-18869267-C-A. GRCh37 (hg19) VCF-style: chr19-18980076-C-A.
Other names: c.*1310G>T (NM_001387440.1); c.*718G>T (NM_021267.5); c.449G>T, p.Arg150Leu (NM_001387438.1); short protein forms R150L.
Identifiers: ClinVar variation 4996366 (VCV004996366.1).